The following is an entry in ClinVar:

ClinVar aggregate classification (germline): Uncertain significance (1 of 4 stars; one submission).

Submission:

Labcorp Genetics (formerly Invitae), Labcorp
Classification: Uncertain significance. Last evaluated: 2022-02-22. Review status: criteria provided, single submitter. Criteria: Invitae Variant Classification Sherloc (09022015). Collection method: clinical testing. Allele origin: germline.
Comment: This sequence change replaces leucine, which is neutral and non-polar, with proline, which is neutral and non-polar, at codon 6 of the ACAD9 protein (p.Leu6Pro). This variant is not present in population databases (gnomAD no frequency). This variant has not been reported in the literature in individuals affected with ACAD9-related conditions. Advanced modeling of protein sequence and biophysical properties (such as structural, functional, and spatial information, amino acid conservation, physicochemical variation, residue mobility, and thermodynamic stability) performed at Invitae indicates that this missense variant is not expected to disrupt ACAD9 protein function. In summary, the available evidence is currently insufficient to determine the role of this variant in disease. Therefore, it has been classified as a Variant of Uncertain Significance.

NM_014049.5(ACAD9):c.17T>C (p.Leu6Pro)

Gene: ACAD9 (acyl-CoA dehydrogenase family member 9; plus strand). Cytogenetic location: 3q21.3.
Variant type: single nucleotide variant.
Coding change: c.17T>C on transcript NM_014049.5 (MANE Select); coding-DNA position 17, T replaced by C.
Protein change: p.Leu6Pro; replaces leucine 6 with proline.
Molecular consequence: missense variant. On other transcripts: non-coding transcript variant (1).
Genome position (GRCh38, 1-based): chr3:128,879,708, T>C. VCF-style: chr3-128879708-T-C. GRCh37 (hg19) VCF-style: chr3-128598551-T-C.
Other names: c.-259T>C (NM_001410805.1); short protein forms L6P.
Identifiers: ClinVar variation 2101586 (VCV002101586.4), dbSNP rs879173625, ClinGen allele CA354429518.
Genomic context (GRCh38, chr3:128,879,708, plus strand): 5'-TAAGAAGGGGAGACTGAGGCTGAGGCTGGGGAACATCGGGCAGCATGAGCGGCTGCGGGC[T>C]CTTCCTGCGCACCACGGCTGCGGCTCGTGCCTGCCGGGGTCTGGTGGTCTCTACCGCGAA-3'
Protein context (NP_054768.2, residues 1-16): MSGCG[Leu6Pro]FLRTTAAARA